The following is an entry in ClinVar:

ClinVar aggregate classification (germline): Uncertain significance (1 of 4 stars; one submission).

Submission:

Women's Health and Genetics/Laboratory Corporation of America, LabCorp
Classification: Uncertain significance. Last evaluated: 2025-10-21. Review status: criteria provided, single submitter. Criteria: LabCorp Variant Classification Summary - May 2015. Collection method: clinical testing. Allele origin: germline.
Comment: Variant summary: GCDH c.554G>T (p.Gly185Val) results in a non-conservative amino acid change in the encoded protein sequence. Algorithms developed to predict the effect of missense changes on protein structure and function all suggest that this variant is likely to be disruptive. The variant was absent in 251422 control chromosomes. To our knowledge, no occurrence of c.554G>T in individuals affected with GCDH-related conditions and no experimental evidence demonstrating its impact on protein function have been reported. Two different variants affecting the same codon and resulting different amino acid changes have been classified as likely pathogenic/pathogenic by our lab (c.553G>A (p.Gly185Arg) and c.554G>A (p.Gly185Glu)), supporting the critical relevance of codon 185 to GCDH protein function. No submitters have cited clinical-significance assessments for this variant to ClinVar. Based on the evidence outlined above, the variant was classified as VUS-possibly pathogenic.

NM_000159.4(GCDH):c.554G>T (p.Gly185Val)

Gene: GCDH (glutaryl-CoA dehydrogenase; plus strand). Cytogenetic location: 19p13.13.
Variant type: single nucleotide variant.
Coding change: c.554G>T on transcript NM_000159.4 (MANE Select); coding-DNA position 554, G replaced by T.
Protein change: p.Gly185Val; replaces glycine 185 with valine.
Molecular consequence: missense variant. On other transcripts: non-coding transcript variant (2).
Genome position (GRCh38, 1-based): chr19:12,896,040, G>T. VCF-style: chr19-12896040-G-T. GRCh37 (hg19) VCF-style: chr19-13006854-G-T.
Other names: c.554G>T, p.Gly185Val (NM_013976.5); short protein forms G185V.
Identifiers: ClinVar variation 4687139 (VCV004687139.1).